The following is an entry in ClinVar:

NM_001123385.2(BCOR):c.3340G>C (p.Glu1114Gln)

Gene: BCOR (BCL6 corepressor; minus strand). Cytogenetic location: Xp11.4.
Variant type: single nucleotide variant.
Coding change: c.3340G>C on transcript NM_001123385.2 (MANE Select); coding-DNA position 3340, G replaced by C.
Protein change: p.Glu1114Gln; replaces glutamic acid 1114 with glutamine.
Molecular consequence: missense variant.
Genome position (GRCh38, 1-based): chrX:40,064,498, C>G on the plus strand (G>C on the coding strand, the complement: BCOR is on the minus strand). VCF-style: chrX-40064498-C-G. GRCh37 (hg19) VCF-style: chrX-39923751-C-G.
Other names: c.3340G>C, p.Glu1114Gln (NM_001123383.2, NM_017745.6); c.3286G>C, p.Glu1096Gln (NM_001123384.2); short protein forms E1114Q, E1096Q.
Identifiers: ClinVar variation 632670 (VCV000632670.6), dbSNP rs757991049, ClinGen allele CA412739082.

ClinVar aggregate classification (germline): Uncertain significance. Review status: criteria provided, multiple submitters, no conflicts (2 of 4 stars). 3 submissions from 3 submitters: Uncertain significance (3). Last evaluated 2026-04-20.

Conditions:
Oculofaciocardiodental syndrome (MCOPS2). Identifiers: Orphanet 2712, MedGen C1846265, MONDO:0010261, OMIM 300166.
Inborn genetic diseases. Identifiers: MedGen C0950123, MeSH D030342.

gnomAD v4.1: 2 of 1,210,948 alleles (0.00017%); highest among the groups gnomAD compares: Non-Finnish European, 0.00022%; no homozygotes.

Submissions (3):

Ambry Genetics
Classification: Uncertain significance for Inborn genetic diseases. Last evaluated: 2026-04-20. Review status: criteria provided, single submitter. Criteria: Ambry Variant Classification Scheme 2023. Collection method: clinical testing. Allele origin: germline.

Labcorp Genetics (formerly Invitae), Labcorp
Classification: Uncertain significance for Oculofaciocardiodental syndrome. Last evaluated: 2022-09-10. Review status: criteria provided, single submitter. Criteria: Invitae Variant Classification Sherloc (09022015). Collection method: clinical testing. Allele origin: germline.
Comment: In summary, the available evidence is currently insufficient to determine the role of this variant in disease. Therefore, it has been classified as a Variant of Uncertain Significance. Algorithms developed to predict the effect of missense changes on protein structure and function are either unavailable or do not agree on the potential impact of this missense change (SIFT: "Deleterious"; PolyPhen-2: "Possibly Damaging"; Align-GVGD: "Class C0"). ClinVar contains an entry for this variant (Variation ID: 632670). This variant has not been reported in the literature in individuals affected with BCOR-related conditions. This variant is not present in population databases (gnomAD no frequency). This sequence change replaces glutamic acid, which is acidic and polar, with glutamine, which is neutral and polar, at codon 1114 of the BCOR protein (p.Glu1114Gln).

Women's Health and Genetics/Laboratory Corporation of America, LabCorp
Classification: Uncertain significance. Last evaluated: 2018-08-09. Review status: criteria provided, single submitter. Criteria: LabCorp Variant Classification Summary - May 2015. Collection method: clinical testing. Allele origin: germline.
Comment: Variant summary: BCOR c.3340G>C (p.Glu1114Gln) results in a conservative amino acid change located outside of any known functional domain of the encoded protein sequence. Three of five in-silico tools predict a benign effect of the variant on protein function. The variant was absent in 178259 control chromosomes. The available data on variant occurrences in the general population are insufficient to allow any conclusion about variant significance. To our knowledge, no occurrence of c.3340G>C in individuals affected with Oculofaciocardiodental syndrome and no experimental evidence demonstrating its impact on protein function have been reported. No clinical diagnostic laboratories have submitted clinical-significance assessments for this variant to ClinVar after 2014. Based on the evidence outlined above, the variant was classified as uncertain significance.